The following is an entry in ClinVar:

ClinVar aggregate classification (germline): Uncertain significance (1 of 4 stars; one submission).

Conditions:
Cardiomyopathy (CMYO). Also called: Cardiomyopathies. Identifiers: Orphanet 167848, MedGen C0878544, MONDO:0004994, HP:0001638. Inheritance: Various modes of inheritance.

gnomAD v4.1: 1 of 1,612,206 alleles (0.000062%); no homozygotes.

Submission:

Color Diagnostics, LLC DBA Color Health
Classification: Uncertain significance for Cardiomyopathy. Last evaluated: 2024-03-07. Review status: criteria provided, single submitter. Criteria: ACMG Guidelines, 2015. Collection method: clinical testing. Allele origin: germline.
Comment: This missense variant replaces threonine with serine at codon 394 of the LMNA protein. Computational prediction suggests that this variant may not impact protein structure and function (internally defined REVEL score threshold <= 0.5, PMID: 27666373). To our knowledge, functional studies have not been reported for this variant. This variant has not been reported in individuals affected with LMNA-related disorders in the literature. This variant has not been identified in the general population by the Genome Aggregation Database (gnomAD). The available evidence is insufficient to determine the role of this variant in disease conclusively. Therefore, this variant is classified as a Variant of Uncertain Significance.

NM_170707.4(LMNA):c.1180A>T (p.Thr394Ser)

Gene: LMNA (lamin A/C; plus strand). Cytogenetic location: 1q22.
Variant type: single nucleotide variant.
Coding change: c.1180A>T on transcript NM_170707.4 (MANE Select); coding-DNA position 1180, A replaced by T.
Protein change: p.Thr394Ser; replaces threonine 394 with serine.
Molecular consequence: missense variant.
Genome position (GRCh38, 1-based): chr1:156,136,236, A>T. VCF-style: chr1-156136236-A-T. GRCh37 (hg19) VCF-style: chr1-156106027-A-T.
Other names: c.844A>T, p.Thr282Ser (NM_001257374.3, NM_001406989.1, NM_001406998.1); c.937A>T, p.Thr313Ser (NM_001282624.2, NM_001406986.1, NM_001406987.1); c.1180A>T, p.Thr394Ser (NM_001282625.2, NM_001282626.2, NM_001406983.1 and 6 more transcripts); c.883A>T, p.Thr295Ser (NM_001406988.1); c.622A>T, p.Thr208Ser (NM_001406990.1, NM_001406993.1, NM_001406995.1 and 4 more transcripts); c.556A>T, p.Thr186Ser (NM_001406994.1, NM_001406999.1, NM_001407000.1 and 1 more transcripts); short protein forms T208S, T282S, T295S, T186S, T394S, T313S.
Identifiers: ClinVar variation 2773542 (VCV002773542.2), dbSNP rs2527996151, ClinGen allele CA342820910.
Genomic context (GRCh38, chr1:156,136,236, plus strand): 5'-GCCTTGACTAGACCCCCACTTGGTCTCCCTCTCCCCAGGCTACGCCTGTCCCCCAGCCCT[A>T]CCTCGCAGCGCAGCCGTGGCCGTGCTTCCTCTCACTCATCCCAGACACAGGGTGGGGGCA-3'
Protein context (NP_733821.1, residues 384-404): EERLRLSPSP[Thr394Ser]SQRSRGRASS